The following is an entry in ClinVar:

ClinVar aggregate classification (germline): Uncertain significance (1 of 4 stars; one submission).

Submission:

Dasa
Classification: Uncertain significance. Last evaluated: 2024-12-03. Review status: criteria provided, single submitter. Criteria: DASA Assertion Criteria. Collection method: clinical testing. Allele origin: germline.
Comment: NM_006950.3(SYN1):c.1714C>T (p.Pro572Ser) is a missense variant that results in the substitution of proline with serine. This variant is rare in population databases. Computational prediction algorithms are consistent with a benign effect. The currently available literature and clinical evidence are not sufficient to establish a definitive association between this variant and the reported condition. Therefore, this variant is classified as a variant of uncertain significance.

NM_006950.3(SYN1):c.1714C>T (p.Pro572Ser)

Gene: SYN1 (synapsin I; minus strand). Cytogenetic location: Xp11.3.
Variant type: single nucleotide variant.
Coding change: c.1714C>T on transcript NM_006950.3 (MANE Select); coding-DNA position 1714, C replaced by T.
Protein change: p.Pro572Ser; replaces proline 572 with serine.
Molecular consequence: missense variant.
Genome position (GRCh38, 1-based): chrX:47,574,270, G>A on the plus strand (C>T on the coding strand, the complement: SYN1 is on the minus strand). VCF-style: chrX-47574270-G-A. GRCh37 (hg19) VCF-style: chrX-47433669-G-A.
Other names: c.1714C>T, p.Pro572Ser (NM_133499.2); short protein forms P572S.
Identifiers: ClinVar variation 4882442 (VCV004882442.2).